The following is an entry in ClinVar:

ClinVar aggregate classification (germline): Uncertain significance (1 of 4 stars; one submission).

Allele frequency attached by ClinVar (database versions not stated): ExAC 0.00002; gnomAD exomes 0.00002; ESP Exome Variant Server 0.00015; 1000 Genomes Project 30x 0.00016; gnomAD 0.00019; 1000 Genomes Project 0.00020; TOPMed 0.00026.
gnomAD v4.1: 60 of 1,613,846 alleles (0.0037%); highest among the groups gnomAD compares: African/African-American, 0.072%; no homozygotes.

Submission:

Labcorp Genetics (formerly Invitae), Labcorp
Classification: Uncertain significance. Last evaluated: 2024-07-31. Review status: criteria provided, single submitter. Criteria: Invitae Variant Classification Sherloc (09022015). Collection method: clinical testing. Allele origin: germline.
Comment: This sequence change replaces glycine, which is neutral and non-polar, with aspartic acid, which is acidic and polar, at codon 899 of the GRM1 protein (p.Gly899Asp). This variant is present in population databases (rs150155474, gnomAD 0.04%). This variant has not been reported in the literature in individuals affected with GRM1-related conditions. ClinVar contains an entry for this variant (Variation ID: 2167633). An algorithm developed to predict the effect of missense changes on protein structure and function (PolyPhen-2) suggests that this variant is likely to be disruptive. In summary, the available evidence is currently insufficient to determine the role of this variant in disease. Therefore, it has been classified as a Variant of Uncertain Significance.

NM_001278064.2(GRM1):c.2696G>A (p.Gly899Asp)

Gene: GRM1 (glutamate metabotropic receptor 1; plus strand). Cytogenetic location: 6q24.3.
Variant type: single nucleotide variant.
Coding change: c.2696G>A on transcript NM_001278064.2 (MANE Select); coding-DNA position 2696, G replaced by A.
Protein change: p.Gly899Asp; replaces glycine 899 with aspartic acid.
Molecular consequence: missense variant. On other transcripts: 3 prime UTR variant (2), synonymous variant (1).
Genome position (GRCh38, 1-based): chr6:146,433,907, G>A. VCF-style: chr6-146433907-G-A. GRCh37 (hg19) VCF-style: chr6-146755043-G-A.
Other names: c.*60G>A (NM_001278065.2); c.*25G>A (NM_001278066.1); c.2661G>A, p.Lys887= (NM_001278067.1); short protein forms G899D.
Identifiers: ClinVar variation 2167633 (VCV002167633.4), dbSNP rs150155474, ClinGen allele CA4037538.